The following is an entry in ClinVar:

NM_000218.3(KCNQ1):c.1514+2553T>C

Genes: KCNQ1 (potassium voltage-gated channel subfamily Q member 1; plus strand), KCNQ1OT1 (KCNQ1 opposite strand/antisense transcript 1; minus strand). Cytogenetic location: 11p15.5.
Variant type: single nucleotide variant.
Coding change: c.1514+2553T>C on transcript NM_000218.3 (MANE Select); 2553 bases into the intron after coding-DNA position 1514, T replaced by C.
Molecular consequence: intron variant. On other transcripts: non-coding transcript variant (1).
Genome position (GRCh38, 1-based): chr11:2,664,634, T>C. VCF-style: chr11-2664634-T-C. GRCh37 (hg19) VCF-style: chr11-2685864-T-C.
Other names: c.1244+2553T>C (NM_001406837.1); c.1418+2553T>C (NM_001406836.1); c.974+2553T>C (NM_001406838.1); c.1133+2553T>C (NM_181798.2).
Identifiers: ClinVar variation 3059929 (VCV003059929.2), dbSNP rs9666537, ClinGen allele CA13370382.
Genomic context (GRCh38, chr11:2,664,634, plus strand): 5'-GCATTGGGGCTGCATTCCTCCACCTCCTGCACAGCCCGCCCAGTGATGCCCATAATTAAA[T>C]TCGGCTCCAGCTGCTCAGGGATGCAGCGAAGCTCCTGTGGGCAGCCTGGCCCCATGGACC-3'

ClinVar aggregate classification (germline): Benign (0 of 4 stars; one submission).

Conditions:
KCNQ1-related disorder. Also called: KCNQ1-related condition; KCNQ1-related disorders. Identifiers: MedGen CN239322.

Allele frequency attached by ClinVar (database versions not stated): gnomAD 0.73491; gnomAD exomes 0.73496; TOPMed 0.74083; 1000 Genomes Project 30x 0.75999; 1000 Genomes Project 0.76098.
gnomAD v4.1: 292,739 of 398,470 alleles (73%); highest among the groups gnomAD compares: East Asian, 91%; 108,324 homozygotes.

Submission:

PreventionGenetics, part of Exact Sciences
Classification: Benign for KCNQ1-related condition. Last evaluated: 2019-05-11. Review status: no assertion criteria provided. Collection method: clinical testing. Allele origin: germline.
Comment: This variant is classified as benign based on ACMG/AMP sequence variant interpretation guidelines (Richards et al. 2015 PMID: 25741868, with internal and published modifications).